The following is an entry in ClinVar:

ClinVar aggregate classification (germline): Uncertain significance (1 of 4 stars; one submission).

Conditions:
Leigh syndrome (NULS). Also called: Leigh's necrotizing encephalopathy; Leigh's disease; Leigh's syndrome; LEIGH SYNDROME, NUCLEAR; Leigh Syndrome (mtDNA deletion); Leigh Disease. Identifiers: Orphanet 506, MedGen C2931891, MONDO:0009723, OMIM 256000.

Submission:

Wong Mito Lab, Molecular and Human Genetics, Baylor College of Medicine
Classification: Uncertain significance for Leigh syndrome. Last evaluated: 2019-10-17. Review status: criteria provided, single submitter. Criteria: Modified ACMG Guidelines (Unpublished). Collection method: clinical testing. Allele origin: germline.
Comment: The NC_012920.1:m.14382T>G (YP_003024037.1:p.Met98Leu) variant in MTND6 gene is interpretated to be a Uncertain Significance variant based on the modified ACMG guidelines (unpublished). This variant meets the following evidence codes: PP7

NC_012920.1(MT-ND6):m.14382T>G

Gene: MT-ND6 (mitochondrially encoded NADH dehydrogenase 6; minus strand).
Variant type: single nucleotide variant.
Genome position: chrM-14382-T-G.
Identifiers: ClinVar variation 693717 (VCV000693717.1), dbSNP rs1603224704, ClinGen allele CA414822224.